The following is an entry in ClinVar:

NM_006939.4(SOS2):c.1778G>C (p.Arg593Thr)

Gene: SOS2 (SOS Ras/Rho guanine nucleotide exchange factor 2; minus strand). Cytogenetic location: 14q21.3.
Variant type: single nucleotide variant.
Coding change: c.1778G>C on transcript NM_006939.4 (MANE Select); coding-DNA position 1778, G replaced by C.
Protein change: p.Arg593Thr; replaces arginine 593 with threonine.
Molecular consequence: missense variant.
Genome position (GRCh38, 1-based): chr14:50,159,505, C>G on the plus strand (G>C on the coding strand, the complement: SOS2 is on the minus strand). VCF-style: chr14-50159505-C-G. GRCh37 (hg19) VCF-style: chr14-50626223-C-G.
Other names: c.1679G>C, p.Arg560Thr (NM_001411020.1); short protein forms R560T, R593T.
Identifiers: ClinVar variation 4614991 (VCV004614991.1).

ClinVar aggregate classification (germline): Uncertain significance (1 of 4 stars; one submission).

Conditions:
Cardiovascular phenotype. Identifiers: MedGen CN230736.

Submission:

Ambry Genetics
Classification: Uncertain significance for Cardiovascular phenotype. Last evaluated: 2025-10-29. Review status: criteria provided, single submitter. Criteria: Ambry Variant Classification Scheme 2023. Collection method: clinical testing. Allele origin: germline.
Comment: The p.R593T variant (also known as c.1778G>C), located in coding exon 10 of the SOS2 gene, results from a G to C substitution at nucleotide position 1778. The arginine at codon 593 is replaced by threonine, an amino acid with similar properties. This amino acid position is conserved. In addition, this alteration is predicted to be tolerated by in silico analysis. Based on the available evidence, the clinical significance of this variant remains unclear.